The following is an entry in ClinVar:

NM_001040716.2(PC):c.571A>G (p.Ile191Val)

Gene: PC (pyruvate carboxylase; minus strand). Cytogenetic location: 11q13.2.
Variant type: single nucleotide variant.
Coding change: c.571A>G on transcript NM_001040716.2 (MANE Select); coding-DNA position 571, A replaced by G.
Protein change: p.Ile191Val; replaces isoleucine 191 with valine.
Molecular consequence: missense variant.
Genome position (GRCh38, 1-based): chr11:66,871,114, T>C on the plus strand (A>G on the coding strand, the complement: PC is on the minus strand). VCF-style: chr11-66871114-T-C. GRCh37 (hg19) VCF-style: chr11-66638585-T-C.
Other names: p.I191V:ATC>GTC; c.571A>G, p.Ile191Val (NM_000920.4, NM_022172.3); short protein forms I191V.
Identifiers: ClinVar variation 203908 (VCV000203908.9), dbSNP rs141543771, ClinGen allele CA312884.
Genomic context (GRCh38, chr11:66,871,114, plus strand): 5'-CGTAGCTGTGCACCACCCTCATGCCACGCCCTCCACCCCCATAGGCCGCCTTGAAGATGA[T>C]GGGGAAGCCGTAGGTGTTGGAGAACTCGTGGGCCTCATGCAGGGACGTGATGGGGGCATC-3'
Protein context (NP_001035806.1, residues 181-201): HEFSNTYGFP[Ile191Val]IFKAAYGGGG

ClinVar aggregate classification (germline): Conflicting classifications of pathogenicity. Review status: criteria provided, conflicting classifications (1 of 4 stars). 3 submissions from 3 submitters: Uncertain significance (1); Likely benign (2). Last evaluated 2026-01-18.

Conditions:
Inborn genetic diseases. Identifiers: MedGen C0950123, MeSH D030342.
Pyruvate carboxylase deficiency. Also called: LEIGH NECROTIZING ENCEPHALOPATHY DUE TO PYRUVATE CARBOXYLASE DEFICIENCY; LEIGH SYNDROME DUE TO PYRUVATE CARBOXYLASE DEFICIENCY; PC DEFICIENCY; ATAXIA WITH LACTIC ACIDOSIS II; Pyruvate Carboxylase Deficiency Disease. Identifiers: Orphanet 3008, MedGen C0034341, MONDO:0009949, OMIM 266150.

Allele frequency attached by ClinVar (database versions not stated): gnomAD exomes 0.00008 and 0.00009; ExAC 0.00009; gnomAD 0.00014 and 0.00015; ESP Exome Variant Server 0.00023; TOPMed 0.00032; 1000 Genomes Project 30x 0.00047; 1000 Genomes Project 0.00060.
gnomAD v4.1: 161 of 1,613,852 alleles (0.01%); highest among the groups gnomAD compares: African/African-American, 0.032%; no homozygotes.

Submissions (3):

Labcorp Genetics (formerly Invitae), Labcorp
Classification: Likely benign for Pyruvate carboxylase deficiency. Last evaluated: 2026-01-18. Review status: criteria provided, single submitter. Criteria: Invitae Variant Classification Sherloc (09022015). Collection method: clinical testing. Allele origin: germline.

Ambry Genetics
Classification: Uncertain significance for Inborn genetic diseases. Last evaluated: 2025-08-14. Review status: criteria provided, single submitter. Criteria: Ambry Variant Classification Scheme 2023. Collection method: clinical testing. Allele origin: germline.

GeneDx
Classification: Likely benign. Last evaluated: 2015-05-15. Review status: criteria provided, single submitter. Criteria: GeneDx Variant Classification (06012015). Collection method: clinical testing. Allele origin: germline. Affected: yes.
Comment: This variant is considered likely benign or benign based on one or more of the following criteria: it is a conservative change, it occurs at a poorly conserved position in the protein, it is predicted to be benign by multiple in silico algorithms, and/or has population frequency not consistent with disease.